The following is an entry in ClinVar:

NM_000528.4(MAN2B1):c.455A>G (p.Asn152Ser)

Gene: MAN2B1 (mannosidase alpha class 2B member 1; minus strand). Cytogenetic location: 19p13.13.
Variant type: single nucleotide variant.
Coding change: c.455A>G on transcript NM_000528.4 (MANE Select); coding-DNA position 455, A replaced by G.
Protein change: p.Asn152Ser; replaces asparagine 152 with serine.
Molecular consequence: missense variant.
Genome position (GRCh38, 1-based): chr19:12,664,967, T>C on the plus strand (A>G on the coding strand, the complement: MAN2B1 is on the minus strand). VCF-style: chr19-12664967-T-C. GRCh37 (hg19) VCF-style: chr19-12775781-T-C.
Other names: c.455A>G, p.Asn152Ser (NM_001173498.2); short protein forms N152S.
Identifiers: ClinVar variation 786791 (VCV000786791.23), dbSNP rs200164758, ClinGen allele CA9226793.

ClinVar aggregate classification (germline): Conflicting classifications of pathogenicity. Review status: criteria provided, conflicting classifications (1 of 4 stars). 8 submissions from 8 submitters: Uncertain significance (3); Likely benign (3). 2 of the submissions do not count toward it. Last evaluated 2026-08-27.

Conditions:
MAN2B1-related disorder. Also called: MAN2B1-related condition.
Deficiency of alpha-mannosidase (MANSA). Also called: LYSOSOMAL ALPHA-D-MANNOSIDASE DEFICIENCY; Alpha-Mannosidosis; Mannosidosis, alpha-, types I and II. Identifiers: Orphanet 61, MedGen C0024748, MONDO:0009561, OMIM 248500.

Allele frequency attached by ClinVar (database versions not stated): gnomAD exomes 0.00019 and 0.00021; ExAC 0.00021; 1000 Genomes Project 0.00040; 1000 Genomes Project 30x 0.00047; ESP Exome Variant Server 0.00054; TOPMed 0.00068; gnomAD 0.00080 and 0.00088.
gnomAD v4.1: 429 of 1,613,846 alleles (0.027%); highest among the groups gnomAD compares: African/African-American, 0.26%; 1 homozygote.

Submissions (8):

GeneDx
Classification: Uncertain significance. Last evaluated: 2026-08-27. Review status: criteria provided, single submitter. Criteria: GeneDx Variant Classification Process June 2021. Collection method: clinical testing. Allele origin: germline.
Comment: In silico analysis supports that this missense variant has a deleterious effect on protein structure/function; Has not been previously published as pathogenic or benign to our knowledge

Labcorp Genetics (formerly Invitae), Labcorp
Classification: Likely benign for Deficiency of alpha-mannosidase. Last evaluated: 2026-01-31. Review status: criteria provided, single submitter. Criteria: Invitae Variant Classification Sherloc (09022015). Collection method: clinical testing. Allele origin: germline.

Blueprint Genetics
Classification: Uncertain significance. Last evaluated: 2024-08-20. Review status: criteria provided, single submitter. Criteria: ACMG Guidelines, 2015. Collection method: clinical testing. Allele origin: germline.

Women's Health and Genetics/Laboratory Corporation of America, LabCorp
Classification: Likely benign. Last evaluated: 2024-04-16. Review status: criteria provided, single submitter. Criteria: LabCorp Variant Classification Summary - May 2015. Collection method: clinical testing. Allele origin: germline.
Comment: Variant summary: MAN2B1 c.455A>G (p.Asn152Ser) results in a conservative amino acid change located in the Glycoside hydrolase family 38, N-terminal domain (IPR000602) of the encoded protein sequence. Three of five in-silico tools predict a damaging effect of the variant on protein function. The variant allele was found at a frequency of 0.00027 in 1613846 control chromosomes, predominantly at a frequency of 0.0026 within the African or African-American subpopulation in the gnomAD database, including 1 homozygotes. The observed variant frequency within African or African-American control individuals in the gnomAD database (v4.0.0) is approximately 2 fold of the estimated maximal expected allele frequency for a pathogenic variant in MAN2B1 causing Alpha-Mannosidosis phenotype (0.0016), strongly suggesting that the variant is a benign polymorphism found primarily in populations of African or African-American origin. To our knowledge, no occurrence of c.455A>G in individuals affected with Alpha-Mannosidosis and no experimental evidence demonstrating its impact on protein function have been reported. ClinVar contains an entry for this variant (Variation ID: 786791). Based on the evidence outlined above, the variant was classified as likely benign.

Genome-Nilou Lab
Classification: Likely benign for Deficiency of alpha-mannosidase. Last evaluated: 2021-09-05. Review status: criteria provided, single submitter. Criteria: ACMG Guidelines, 2015. Collection method: clinical testing. Allele origin: germline. Affected: no.

Illumina Laboratory Services, Illumina
Classification: Uncertain significance for Deficiency of alpha-mannosidase. Last evaluated: 2018-01-13. Review status: criteria provided, single submitter. Criteria: ICSL Variant Classification Criteria 13 December 2019. Collection method: clinical testing. Allele origin: germline.

PreventionGenetics, part of Exact Sciences
Classification: Likely benign for MAN2B1-related condition. Last evaluated: 2023-12-26. Review status: no assertion criteria provided. Collection method: clinical testing. Allele origin: germline. Not counted in ClinVar's aggregate classification.
Comment: This variant is classified as likely benign based on ACMG/AMP sequence variant interpretation guidelines (Richards et al. 2015 PMID: 25741868, with internal and published modifications).

Natera, Inc.
Classification: Uncertain significance for Alpha-mannosidosis. Last evaluated: 2020-01-24. Review status: no assertion criteria provided. Collection method: clinical testing. Allele origin: germline. Not counted in ClinVar's aggregate classification.